The following is an entry in ClinVar:

NM_012424.6(RPS6KC1):c.451T>C (p.Phe151Leu)

Gene: RPS6KC1 (ribosomal protein S6 kinase C1; plus strand). Cytogenetic location: 1q32.3.
Variant type: single nucleotide variant.
Coding change: c.451T>C on transcript NM_012424.6 (MANE Select); coding-DNA position 451, T replaced by C.
Protein change: p.Phe151Leu; replaces phenylalanine 151 with leucine.
Molecular consequence: missense variant. On other transcripts: 5 prime UTR variant (24), non-coding transcript variant (3), intron variant (3).
Genome position (GRCh38, 1-based): chr1:213,117,389, T>C. VCF-style: chr1-213117389-T-C. GRCh37 (hg19) VCF-style: chr1-213290731-T-C.
Other names: c.415T>C, p.Phe139Leu (NM_001136138.4); c.-171T>C (NM_001287218.3, NM_001349650.2, NM_001349653.2 and 1 more transcripts); c.-93T>C (NM_001287219.3, NM_001287221.3, NM_001349648.2 and 1 more transcripts); c.-764T>C (NM_001287220.3, NM_001349666.2, NM_001349667.2 and 1 more transcripts); c.451T>C, p.Phe151Leu (NM_001349646.2, NM_001349647.2); c.-292T>C (NM_001349651.2); c.-242T>C (NM_001349652.2); c.-78T>C (NM_001349658.2); and 9 more; short protein forms F139L, F151L.
Identifiers: ClinVar variation 4700787 (VCV004700787.1).
Genomic context (GRCh38, chr1:213,117,389, plus strand): 5'-AATGATAGTTCTGAATTAATTGGTCCTGCTGAAGCTCACTCAGATTCCCTCATTGATACC[T>C]TTCCTGAGTGTAGTACGGAAGGTAAGAGATTTTAATTTTTTTGCATTTCAAAGGTTTGGA-3'
Protein context (NP_036556.2, residues 141-161): EAHSDSLIDT[Phe151Leu]PECSTEGFSS

ClinVar aggregate classification (germline): Uncertain significance (1 of 4 stars; one submission).

gnomAD v4.1: 7 of 1,606,324 alleles (0.00044%); no homozygotes.

Submission:

Labcorp Genetics (formerly Invitae), Labcorp
Classification: Uncertain significance. Last evaluated: 2025-08-11. Review status: criteria provided, single submitter. Criteria: Invitae Variant Classification Sherloc (09022015). Collection method: clinical testing. Allele origin: germline.
Comment: This sequence change replaces phenylalanine, which is neutral and non-polar, with leucine, which is neutral and non-polar, at codon 151 of the RPS6KC1 protein (p.Phe151Leu). This variant is present in population databases (rs765921686, gnomAD 0.04%). This variant has not been reported in the literature in individuals affected with RPS6KC1-related conditions. An algorithm developed to predict the effect of missense changes on protein structure and function outputs the following: PolyPhen-2: "Benign". The leucine amino acid residue is found in multiple mammalian species, which suggests that this missense change does not adversely affect protein function. In summary, the available evidence is currently insufficient to determine the role of this variant in disease. Therefore, it has been classified as a Variant of Uncertain Significance.